The following is an entry in ClinVar:

ClinVar aggregate classification (germline): Uncertain significance (1 of 4 stars; one submission).

Conditions:
Developmental and epileptic encephalopathy, 9 (DEE9). Also called: PCDH19-Related X-Linked Female-Limited Epilepsy with Mental Retardation; Early infantile epileptic encephalopathy 9; EPILEPSY, FEMALE-RESTRICTED, WITH MENTAL RETARDATION; JUBERG-HELLMAN SYNDROME. Identifiers: Orphanet 101039, Orphanet 2076, MedGen C1848137, MONDO:0010246, OMIM 300088. Disease mechanism: loss of function.

Allele frequency attached by ClinVar (database versions not stated): gnomAD exomes 0.00004 and 0.00002; ExAC 0.00001; gnomAD 0.00002; TOPMed 0.00002.
gnomAD v4.1: 22 of 1,209,185 alleles (0.0018%); highest among the groups gnomAD compares: South Asian, 0.0018%; no homozygotes.

Submission:

Labcorp Genetics (formerly Invitae), Labcorp
Classification: Uncertain significance for Developmental and epileptic encephalopathy, 9. Last evaluated: 2024-09-29. Review status: criteria provided, single submitter. Criteria: Invitae Variant Classification Sherloc (09022015). Collection method: clinical testing. Allele origin: germline.
Comment: This sequence change replaces proline, which is neutral and non-polar, with glutamine, which is neutral and polar, at codon 217 of the PCDH19 protein (p.Pro217Gln). This variant is present in population databases (rs200142964, gnomAD 0.07%). This variant has not been reported in the literature in individuals affected with PCDH19-related conditions. ClinVar contains an entry for this variant (Variation ID: 465308). Invitae Evidence Modeling of protein sequence and biophysical properties (such as structural, functional, and spatial information, amino acid conservation, physicochemical variation, residue mobility, and thermodynamic stability) has been performed for this missense variant. However, the output from this modeling did not meet the statistical confidence thresholds required to predict the impact of this variant on PCDH19 protein function. In summary, the available evidence is currently insufficient to determine the role of this variant in disease. Therefore, it has been classified as a Variant of Uncertain Significance.

NM_001184880.2(PCDH19):c.650C>A (p.Pro217Gln)

Gene: PCDH19 (protocadherin 19; minus strand). Cytogenetic location: Xq22.1.
Variant type: single nucleotide variant.
Coding change: c.650C>A on transcript NM_001184880.2 (MANE Select); coding-DNA position 650, C replaced by A.
Protein change: p.Pro217Gln; replaces proline 217 with glutamine.
Molecular consequence: missense variant.
Genome position (GRCh38, 1-based): chrX:100,407,948, G>T on the plus strand (C>A on the coding strand, the complement: PCDH19 is on the minus strand). VCF-style: chrX-100407948-G-T. GRCh37 (hg19) VCF-style: chrX-99662946-G-T.
Other names: c.650C>A, p.Pro217Gln (NM_001105243.2, NM_020766.3); short protein forms P217Q.
Identifiers: ClinVar variation 465308 (VCV000465308.10), dbSNP rs200142964, ClinGen allele CA10468965.